The following is an entry in ClinVar:

NM_001267550.2(TTN):c.16126C>A (p.Leu5376Met)

Gene: TTN (titin; minus strand). Cytogenetic location: 2q31.2.
Variant type: single nucleotide variant.
Coding change: c.16126C>A on transcript NM_001267550.2 (MANE Select); coding-DNA position 16126, C replaced by A.
Protein change: p.Leu5376Met; replaces leucine 5376 with methionine.
Molecular consequence: missense variant. On other transcripts: intron variant (3).
Genome position (GRCh38, 1-based): chr2:178,733,050, G>T on the plus strand (C>A on the coding strand, the complement: TTN is on the minus strand). VCF-style: chr2-178733050-G-T. GRCh37 (hg19) VCF-style: chr2-179597777-G-T.
Other names: p.Leu5059Met; c.15175C>A, p.Leu5059Met (NM_001256850.1); c.12394C>A, p.Leu4132Met (NM_133378.4); c.13282+5032C>A (NM_003319.4); c.13858+5032C>A (NM_133437.4); c.13657+5032C>A (NM_133432.3); short protein forms L5059M, L5376M, L4132M.
Identifiers: ClinVar variation 281951 (VCV000281951.17), dbSNP rs72648936, ClinGen allele CA2002086.

ClinVar aggregate classification (germline): Conflicting classifications of pathogenicity. Review status: criteria provided, conflicting classifications (1 of 4 stars). 7 submissions from 7 submitters: Uncertain significance (5); Likely benign (2). Last evaluated 2026-08-04.

Conditions:
TTN-related disorder. Also called: TTN-related condition; TTN-related disease; TTN-related disorders.
Autosomal recessive limb-girdle muscular dystrophy type 2J (LGMDR10). Also called: MUSCULAR DYSTROPHY, LIMB-GIRDLE, AUTOSOMAL RECESSIVE 10; Limb-girdle muscular dystrophy, type 2J. Identifiers: Orphanet 140922, MedGen C1837342, MONDO:0012127, OMIM 608807.
Dilated cardiomyopathy 1G (CMD1G). Identifiers: Orphanet 154, MedGen C1858763, MONDO:0011400, OMIM 604145.
Hypertrophic cardiomyopathy 9. Also called: Familial hypertrophic cardiomyopathy 9. Identifiers: MedGen C1861065, MONDO:0013412, OMIM 613765.
Early-onset myopathy with fatal cardiomyopathy (CMYO5). Also called: CONGENITAL MYOPATHY 5 WITH CARDIOMYOPATHY; Salih Myopathy. Identifiers: Orphanet 289377, MedGen C2673677, MONDO:0012714, OMIM 611705. Disease mechanism: loss of function.
Myopathy, myofibrillar, 9, with early respiratory failure (MFM9). Also called: Myopathy, distal, with early respiratory failure, autosomal dominant; EDSTROM MYOPATHY; MYOPATHY, PROXIMAL, WITH EARLY RESPIRATORY MUSCLE INVOLVEMENT; Hereditary myopathy with early respiratory failure. Identifiers: Orphanet 178464, Orphanet 34521, MedGen C1863599, MONDO:0011362, OMIM 603689.
Tibial muscular dystrophy (TMD). Also called: Tibial muscular dystrophy, tardive; UDD MYOPATHY; Udd Distal Myopathy – Tibial Muscular Dystrophy. Identifiers: Orphanet 609, MedGen C1838244, MONDO:0010870, OMIM 600334.

Allele frequency attached by ClinVar (database versions not stated): gnomAD 0.00003; TOPMed 0.00202.
gnomAD v4.1: 188 of 1,613,118 alleles (0.012%); highest among the groups gnomAD compares: Non-Finnish European, 0.0065%; 3 homozygotes.

Submissions (7):

PreventionGenetics, part of Exact Sciences
Classification: Likely benign for TTN-related condition. Last evaluated: 2026-08-04. Review status: criteria provided, single submitter. Criteria: ACMG Guidelines, 2015. Collection method: clinical testing. Allele origin: germline.
Comment: This variant is classified as likely benign based on ACMG/AMP sequence variant interpretation guidelines (Richards et al. 2015 PMID: 25741868, with internal and published modifications).

Revvity Omics, Revvity
Classification: Uncertain significance. Last evaluated: 2022-09-06. Review status: criteria provided, single submitter. Criteria: ACMG Guidelines, 2015. Collection method: clinical testing. Allele origin: germline.

Mayo Clinic Laboratories, Mayo Clinic
Classification: Uncertain significance. Last evaluated: 2021-11-17. Review status: criteria provided, single submitter. Criteria: ACMG Guidelines, 2015. Collection method: clinical testing. Allele origin: germline.

Fulgent Genetics
Classification: Uncertain significance for Tibial muscular dystrophy; Myopathy, myofibrillar, 9, with early respiratory failure; Dilated cardiomyopathy 1G; Autosomal recessive limb-girdle muscular dystrophy type 2J; Early-onset myopathy with fatal cardiomyopathy; Hypertrophic cardiomyopathy 9. Last evaluated: 2018-10-31. Review status: criteria provided, single submitter. Criteria: ACMG Guidelines, 2015. Collection method: clinical testing. Allele origin: unknown.

GeneDx
Classification: Likely benign. Last evaluated: 2018-06-18. Review status: criteria provided, single submitter. Criteria: GeneDx Variant Classification (06012015). Collection method: clinical testing. Allele origin: germline. Affected: yes.
Comment: This variant is considered likely benign or benign based on one or more of the following criteria: it is a conservative change, it occurs at a poorly conserved position in the protein, it is predicted to be benign by multiple in silico algorithms, and/or has population frequency not consistent with disease.

Labcorp Genetics (formerly Invitae), Labcorp
Classification: Uncertain significance for Dilated cardiomyopathy 1G; Autosomal recessive limb-girdle muscular dystrophy type 2J. Last evaluated: 2017-05-03. Review status: criteria provided, single submitter. Criteria: Invitae Variant Classification Sherloc (09022015). Collection method: clinical testing. Allele origin: germline.

Eurofins Ntd Llc (ga)
Classification: Uncertain significance. Last evaluated: 2015-07-17. Review status: criteria provided, single submitter. Criteria: EGL Classification Definitions 2015. Collection method: clinical testing. Allele origin: germline. Observed: 1 variant allele, 1 heterozygote.